The following is an entry in ClinVar:

ClinVar aggregate classification (germline): Conflicting classifications of pathogenicity. Review status: criteria provided, conflicting classifications (1 of 4 stars). 5 submissions from 5 submitters: Uncertain significance (4); Likely benign (1). Last evaluated 2024-12-10.

Conditions:
Chédiak-Higashi syndrome (CHS). Also called: Chediak-Higashi Syndrome. Identifiers: Orphanet 167, MedGen C0007965, MONDO:0008963, OMIM 214500.
LYST-related disorder. Also called: LYST-related condition.

Allele frequency attached by ClinVar (database versions not stated): TOPMed 0.00001; gnomAD 0.00005; gnomAD exomes 0.00014; 1000 Genomes Project 0.00020; 1000 Genomes Project 30x 0.00031; ExAC 0.00031.
gnomAD v4.1: 209 of 1,598,592 alleles (0.013%); highest among the groups gnomAD compares: South Asian, 0.2%; no homozygotes.

Submissions (5):

PreventionGenetics, part of Exact Sciences
Classification: Likely benign for LYST-related condition. Last evaluated: 2024-12-10. Review status: criteria provided, single submitter. Criteria: ACMG Guidelines, 2015. Collection method: clinical testing. Allele origin: germline.
Comment: This variant is classified as likely benign based on ACMG/AMP sequence variant interpretation guidelines (Richards et al. 2015 PMID: 25741868, with internal and published modifications).

GeneDx
Classification: Uncertain significance. Last evaluated: 2024-07-02. Review status: criteria provided, single submitter. Criteria: GeneDx Variant Classification Process June 2021. Collection method: clinical testing. Allele origin: germline. Affected: yes.
Comment: In silico analysis indicates that this missense variant does not alter protein structure/function; Has not been previously published as pathogenic or benign to our knowledge

Blueprint Genetics
Classification: Uncertain significance. Last evaluated: 2024-03-08. Review status: criteria provided, single submitter. Criteria: ACMG Guidelines, 2015. Collection method: clinical testing. Allele origin: germline.

Mayo Clinic Laboratories, Mayo Clinic
Classification: Uncertain significance. Last evaluated: 2022-12-07. Review status: criteria provided, single submitter. Criteria: ACMG Guidelines, 2015. Collection method: clinical testing. Allele origin: germline. Observed: 1 variant allele.
Comment: BP4

Labcorp Genetics (formerly Invitae), Labcorp
Classification: Uncertain significance for Chédiak-Higashi syndrome. Last evaluated: 2022-08-10. Review status: criteria provided, single submitter. Criteria: Invitae Variant Classification Sherloc (09022015). Collection method: clinical testing. Allele origin: germline.
Comment: This sequence change replaces glutamic acid, which is acidic and polar, with lysine, which is basic and polar, at codon 2684 of the LYST protein (p.Glu2684Lys). This variant is present in population databases (rs185605358, gnomAD 0.2%). This variant has not been reported in the literature in individuals affected with LYST-related conditions. ClinVar contains an entry for this variant (Variation ID: 845185). Algorithms developed to predict the effect of missense changes on protein structure and function are either unavailable or do not agree on the potential impact of this missense change (SIFT: "Tolerated"; PolyPhen-2: "Possibly Damaging"; Align-GVGD: "Class C0"). In summary, the available evidence is currently insufficient to determine the role of this variant in disease. Therefore, it has been classified as a Variant of Uncertain Significance.

NM_000081.4(LYST):c.8050G>A (p.Glu2684Lys)

Gene: LYST (lysosomal trafficking regulator; minus strand). Cytogenetic location: 1q42.3.
Variant type: single nucleotide variant.
Coding change: c.8050G>A on transcript NM_000081.4 (MANE Select); coding-DNA position 8050, G replaced by A.
Protein change: p.Glu2684Lys; replaces glutamic acid 2684 with lysine.
Molecular consequence: missense variant.
Genome position (GRCh38, 1-based): chr1:235,744,080, C>T on the plus strand (G>A on the coding strand, the complement: LYST is on the minus strand). VCF-style: chr1-235744080-C-T. GRCh37 (hg19) VCF-style: chr1-235907380-C-T.
Other names: p.Glu2684Lys; c.8050G>A, p.Glu2684Lys (NM_001301365.1); c.8050G>A (NM_000081.2); short protein forms E2684K.
Identifiers: ClinVar variation 845185 (VCV000845185.7), dbSNP rs185605358, ClinGen allele CA1465956.
Genomic context (GRCh38, chr1:235,744,080, plus strand): 5'-CTTTCTGAAATGGATTGAAAACAGAAGACTGTTCATGATGAATATTTTCCTCAGAAATTT[C>T]GGTCTGGAAAACTGAGGTCTTGCTTTGAGTTACATTTTCTGGAGTTCTCAAAATGTCAAT-3'
Protein context (NP_000072.2, residues 2674-2694): TQSKTSVFQT[Glu2684Lys]ISEENIHHEQ